The following is an entry in ClinVar:

ClinVar aggregate classification (germline): Benign (3 of 4 stars; one submission).

Conditions:
Breast-ovarian cancer, familial, susceptibility to, 2 (BROVCA2). Also called: BRCA2 Hereditary Breast and Ovarian Cancer. Identifiers: Orphanet 145, MedGen C2675520, MONDO:0012933, OMIM 612555. Disease mechanism: loss of function.

Submission:

Evidence-based Network for the Interpretation of Germline Mutant Alleles (ENIGMA)
Classification: Benign for Breast-ovarian cancer, familial, susceptibility to, 2. Last evaluated: 2016-09-28. Review status: reviewed by expert panel. Criteria: ENIGMA BRCA1/2 Classification Criteria (2015). Collection method: curation. Allele origin: germline.
Comment: Class 1 not pathogenic based on frequency >1% in an outbred sampleset. Frequency 0.2724 (European), 0.2897 (African), 0.2522 (Admixed American/Latino), 0.1062 (East Asian), 0.1697 (South Asian), derived from 1000 genomes (2013-05-02).

NM_000059.4(BRCA2):c.7805+561dup

Gene: BRCA2 (BRCA2 DNA repair associated; plus strand). Cytogenetic location: 13q13.1.
Variant type: Duplication.
Coding change: c.7805+561dup on transcript NM_000059.4 (MANE Select); 561 bases into the intron after coding-DNA position 7805, one base duplicated (A; older notation c.7805+561dupA).
Molecular consequence: intron variant.
Genome position (GRCh38, 1-based): chr13:32,358,490, A duplicated; the last of 14 consecutive A bases (chr13:32,358,477-32,358,490); duplicating any one gives the same sequence. VCF-style (leftmost placement, unchanged base first): chr13-32358476-C-CA. GRCh37 (hg19) VCF-style: chr13-32932613-C-CA.
Identifiers: ClinVar variation 264971 (VCV000264971.1), dbSNP rs34469166, ClinGen allele CA10588124.